The following is an entry in ClinVar:

NC_000006.11:g.(?_15523206)_(15524920_?)del

Gene: DTNBP1 (dystrobrevin binding protein 1; minus strand). Cytogenetic location: 6p22.3.
Variant type: Deletion.
Identifiers: ClinVar variation 2427024 (VCV002427024.4).

ClinVar aggregate classification (germline): Uncertain significance (1 of 4 stars; one submission).

Submission:

Labcorp Genetics (formerly Invitae), Labcorp
Classification: Uncertain significance. Last evaluated: 2022-02-05. Review status: criteria provided, single submitter. Criteria: Invitae Variant Classification Sherloc (09022015). Collection method: clinical testing. Allele origin: germline.
Comment: This variant is a gross deletion of the genomic region encompassing exon(s) 9-10 of the DTNBP1 gene, which includes the termination codon. This deletion extends beyond the assayed region for this gene and therefore may encompass additional genes. While this deletion is not anticipated to lead to nonsense mediated decay, it is expected to alter mRNA translation or result in a truncated protein product. This variant has not been reported in the literature in individuals affected with DTNBP1-related conditions. In summary, the available evidence is currently insufficient to determine the role of this variant in disease. Therefore, it has been classified as a Variant of Uncertain Significance.